The following is an entry in ClinVar:

ClinVar aggregate classification (germline): Uncertain significance (1 of 4 stars; one submission).

Submission:

GeneDx
Classification: Uncertain significance. Last evaluated: 2022-03-22. Review status: criteria provided, single submitter. Criteria: GeneDx Variant Classification Process June 2021. Collection method: clinical testing. Allele origin: germline. Affected: yes.
Comment: Not observed in large population cohorts (gnomAD); In silico analysis supports a deleterious effect on splicing; Has not been previously published as pathogenic or benign to our knowledge

NM_005422.4(TECTA):c.5383+6T>G

Genes: TBCEL-TECTA (TBCEL-TECTA readthrough; plus strand), TECTA (tectorin alpha; plus strand). Cytogenetic location: 11q23.3.
Variant type: single nucleotide variant.
Coding change: c.5383+6T>G on transcript NM_005422.4 (MANE Select); 6 bases into the intron after coding-DNA position 5383, T replaced by G.
Molecular consequence: intron variant.
Genome position (GRCh38, 1-based): chr11:121,165,389, T>G. VCF-style: chr11-121165389-T-G. GRCh37 (hg19) VCF-style: chr11-121036098-T-G.
Other names: c.6325+6T>G (NM_001378761.1).
Identifiers: ClinVar variation 1526388 (VCV001526388.2), dbSNP rs2135128824, ClinGen allele CA2573147016.